The following is an entry in ClinVar:

ClinVar aggregate classification (germline): Pathogenic. Review status: criteria provided, multiple submitters, no conflicts (2 of 4 stars). 4 submissions from 4 submitters: Pathogenic (4). Last evaluated 2025-03-04.

Conditions:
Hereditary cancer-predisposing syndrome. Also called: Neoplastic Syndromes, Hereditary; Tumor predisposition; Hereditary Cancer Syndrome; Hereditary neoplastic syndrome. Identifiers: Orphanet 140162, MedGen C0027672, MeSH D009386, MONDO:0015356.
Familial cancer of breast. Also called: hereditary breast carcinoma; BREAST CANCER, FAMILIAL; Hereditary breast cancer. Identifiers: Orphanet 227535, MedGen C0346153, MONDO:0016419, OMIM 114480. Disease mechanism: loss of function.
Ataxia-telangiectasia syndrome (AT). Also called: ATAXIA-TELANGIECTASIA, COMPLEMENTATION GROUP A; ATAXIA-TELANGIECTASIA, FRESNO VARIANT; Ataxia-telangiectasia; Ataxia-telangiectasia, complementation group D; AT, COMPLEMENTATION GROUP C; Ataxia-telangiectasia, complementation group E. Identifiers: Orphanet 100, MedGen C0004135, MONDO:0008840, OMIM 208900.

Submissions (4):

Color Diagnostics, LLC DBA Color Health
Classification: Pathogenic for Hereditary cancer-predisposing syndrome. Last evaluated: 2025-03-04. Review status: criteria provided, single submitter. Criteria: ACMG Guidelines, 2015. Collection method: clinical testing. Allele origin: germline.
Comment: This variant inserts 1 nucleotide in exon 29/63 of the ATM gene, creating a frameshift and premature translation stop signal. This variant is expected to result in an absent or non-functional protein product. This variant has been observed in the compound heterozygous state in an individual affected with autosomal recessive ataxia-telangiectasia (PMID: 16941484), indicating that this variant contributes to disease. This variant has not been identified in the general population by the Genome Aggregation Database (gnomAD). Loss of ATM function is a known mechanism of disease. Based on the available evidence, this variant is classified as Pathogenic.

Baylor Genetics
Classification: Pathogenic for Familial cancer of breast. Last evaluated: 2024-02-09. Review status: criteria provided, single submitter. Criteria: ACMG Guidelines, 2015. Collection method: clinical testing. Allele origin: unknown.

Myriad Genetics, Inc.
Classification: Pathogenic for Familial cancer of breast. Last evaluated: 2024-01-24. Review status: criteria provided, single submitter. Criteria: Myriad Autosomal Dominant, Autosomal Recessive and X-Linked Classification Criteria (2023). Collection method: clinical testing. Allele origin: unknown.
Comment: This variant is considered pathogenic. This variant creates a frameshift predicted to result in premature protein truncation.

Labcorp Genetics (formerly Invitae), Labcorp
Classification: Pathogenic for Ataxia-telangiectasia syndrome. Last evaluated: 2022-12-23. Review status: criteria provided, single submitter. Criteria: Invitae Variant Classification Sherloc (09022015). Collection method: clinical testing. Allele origin: germline.
Comment: This sequence change creates a premature translational stop signal (p.Leu1449Ilefs*42) in the ATM gene. It is expected to result in an absent or disrupted protein product. Loss-of-function variants in ATM are known to be pathogenic (PMID: 23807571, 25614872). This variant is not present in population databases (gnomAD no frequency). This premature translational stop signal has been observed in individual(s) with ataxia-telangiectasia (PMID: 16941484). This variant is also known as c.4344_4345insA. ClinVar contains an entry for this variant (Variation ID: 524365). For these reasons, this variant has been classified as Pathogenic.

Literature cited by the submitters: PubMed 16941484 (cited by Color Diagnostics, LLC DBA Color Health and Labcorp Genetics (formerly Invitae), Labcorp); PubMed 23807571 (cited by Labcorp Genetics (formerly Invitae), Labcorp); PubMed 25614872 (cited by Labcorp Genetics (formerly Invitae), Labcorp).

NM_000051.4(ATM):c.4344dup (p.Leu1449fs)

Gene: ATM (ATM serine/threonine kinase; plus strand). Cytogenetic location: 11q22.3.
Variant type: Duplication.
Coding change: c.4344dup on transcript NM_000051.4 (MANE Select); coding-DNA position 4344, one base duplicated (A; older notation c.4344dupA).
Protein change: p.Leu1449fs; shifts the reading frame from leucine 1449.
Molecular consequence: frameshift variant.
Genome position (GRCh38, 1-based): chr11:108,289,709, A duplicated. VCF-style (leftmost placement, unchanged base first): chr11-108289708-T-TA. GRCh37 (hg19) VCF-style: chr11-108160435-T-TA.
Other names: c.4344dupA (NM_000051.3); c.4344dup, p.Leu1449fs (NM_001351834.2); short protein forms L1449fs.
Identifiers: ClinVar variation 524365 (VCV000524365.12), dbSNP rs1555097604, ClinGen allele CA658795364.
Genomic context (GRCh38, chr11:108,289,708, plus strand): 5'-AAACAAATAATGTTTATAAGAAGCACAGAATTCTTAAAATATATCACCTGTTTGTTAGTT[T>TA]ATTACTGAAAGATATAAAAAGTGGCTTAGGAGGAGCTTGGGCCTTTGTTCTTCGAGACGT-3'